The following is an entry in ClinVar:

ClinVar aggregate classification (germline): Benign/Likely benign. Review status: criteria provided, multiple submitters, no conflicts (2 of 4 stars). 6 submissions from 6 submitters: Benign (1); Likely benign (5). Last evaluated 2026-02-01.

Conditions:
Age related macular degeneration 1 (ARMD1). Also called: MACULOPATHY, AGE-RELATED, 1. Identifiers: MedGen C1864205, MONDO:0011285, OMIM 603075.

Allele frequency attached by ClinVar (database versions not stated): gnomAD exomes 0.00042 and 0.00086; gnomAD 0.00043 and 0.00046; TOPMed 0.00047; ExAC 0.00068; ESP Exome Variant Server 0.00092.
gnomAD v4.1: 738 of 1,611,882 alleles (0.046%); highest among the groups gnomAD compares: Middle Eastern, 0.2%; 7 homozygotes.

Submissions (6):

Labcorp Genetics (formerly Invitae), Labcorp
Classification: Benign. Last evaluated: 2026-02-01. Review status: criteria provided, single submitter. Criteria: Invitae Variant Classification Sherloc (09022015). Collection method: clinical testing. Allele origin: germline.

Blueprint Genetics
Classification: Likely benign. Last evaluated: 2024-11-22. Review status: criteria provided, single submitter. Criteria: ACMG Guidelines, 2015. Collection method: clinical testing. Allele origin: germline.

CeGaT Center for Human Genetics Tuebingen
Classification: Likely benign. Last evaluated: 2024-06-01. Review status: criteria provided, single submitter. Criteria: CeGaT Center For Human Genetics Tuebingen Variant Classification Criteria Version 2. Collection method: clinical testing. Allele origin: germline. Affected: yes. Observed: 1 variant allele.
Comment: HMCN1: BS1

Genome-Nilou Lab
Classification: Likely benign for Age related macular degeneration 1. Last evaluated: 2023-04-11. Review status: criteria provided, single submitter. Criteria: ACMG Guidelines, 2015. Collection method: clinical testing. Allele origin: germline. Affected: no.

Illumina Laboratory Services, Illumina
Classification: Likely benign for Age related macular degeneration 1. Last evaluated: 2018-01-12. Review status: criteria provided, single submitter. Criteria: ICSL Variant Classification Criteria 13 December 2019. Collection method: clinical testing. Allele origin: germline.
Comment: This variant was observed in the ICSL laboratory as part of a predisposition screen in an ostensibly healthy population. It had not been previously curated by ICSL or reported in the Human Gene Mutation Database (HGMD: prior to June 1st, 2018), and was therefore a candidate for classification through an automated scoring system. Utilizing variant allele frequency, disease prevalence and penetrance estimates, and inheritance mode, an automated score was calculated to assess if this variant is too frequent to cause the disease. Based on the score and internal cut-off values, a variant classified as likely benign is not then subjected to further curation. The score for this variant resulted in a classification of likely benign for this disease.

Breakthrough Genomics
Classification: Likely benign. Review status: criteria provided, single submitter. Criteria: ACMG Guidelines, 2015. Collection method: not provided. Allele origin: germline. Inheritance: Autosomal dominant inheritance. Affected: yes.

NM_031935.3(HMCN1):c.2164G>A (p.Glu722Lys)

Gene: HMCN1 (hemicentin 1; plus strand). Cytogenetic location: 1q31.1.
Variant type: single nucleotide variant.
Coding change: c.2164G>A on transcript NM_031935.3 (MANE Select); coding-DNA position 2164, G replaced by A.
Protein change: p.Glu722Lys; replaces glutamic acid 722 with lysine.
Molecular consequence: missense variant.
Genome position (GRCh38, 1-based): chr1:185,965,867, G>A. VCF-style: chr1-185965867-G-A. GRCh37 (hg19) VCF-style: chr1-185934999-G-A.
Other names: short protein forms E722K.
Identifiers: ClinVar variation 294118 (VCV000294118.34), dbSNP rs34692227, ClinGen allele CA1291311.